The following is an entry in ClinVar:

NM_000138.5(FBN1):c.945T>A (p.Cys315Ter)

Gene: FBN1 (fibrillin 1; minus strand). Cytogenetic location: 15q21.1.
Variant type: single nucleotide variant.
Coding change: c.945T>A on transcript NM_000138.5 (MANE Select); coding-DNA position 945, T replaced by A.
Protein change: p.Cys315Ter; replaces cysteine 315 with a stop codon.
Molecular consequence: nonsense.
Genome position (GRCh38, 1-based): chr15:48,526,173, A>T on the plus strand (T>A on the coding strand, the complement: FBN1 is on the minus strand). VCF-style: chr15-48526173-A-T. GRCh37 (hg19) VCF-style: chr15-48818370-A-T.
Other names: short protein forms C315*.
Identifiers: ClinVar variation 932195 (VCV000932195.1), dbSNP rs2043912235, ClinGen allele CA392349879.

ClinVar aggregate classification (germline): Likely pathogenic (1 of 4 stars; one submission).

Conditions:
Marfan Syndrome/Loeys-Dietz Syndrome/Familial Thoracic Aortic Aneurysms and Dissections. Identifiers: MedGen CN229799.

Submission:

Women's Health and Genetics/Laboratory Corporation of America, LabCorp
Classification: Likely pathogenic for Marfan Syndrome/Loeys-Dietz Syndrome/Familial Thoracic Aortic Aneurysms and Dissections. Last evaluated: 2020-05-04. Review status: criteria provided, single submitter. Criteria: LabCorp Variant Classification Summary - May 2015. Collection method: clinical testing. Allele origin: germline.
Comment: Variant summary: FBN1 c.945T>A (p.Cys315X) results in a premature termination codon, predicted to cause a truncation of the encoded protein or absence of the protein due to nonsense mediated decay, which are commonly known mechanisms for disease. Truncations downstream of this position have been classified as pathogenic by our laboratory. The variant was absent in 251424 control chromosomes (gnomAD). c.945T>A has been reported in the literature in at least one individual affected with or suspected of having Marfan Syndrome (Ogawa_2011). To our knowledge, no experimental evidence demonstrating an impact on protein function has been reported. No clinical diagnostic laboratories have submitted clinical-significance assessments for this variant to ClinVar after 2014. Based on the evidence outlined above, the variant was classified as likely pathogenic.

Literature cited by the submitters: PubMed 21907952.